The following is an entry in ClinVar:

ClinVar aggregate classification (germline): Uncertain significance (1 of 4 stars; one submission).

Submission:

GeneDx
Classification: Uncertain significance. Last evaluated: 2019-12-16. Review status: criteria provided, single submitter. Criteria: GeneDx Variant Classification Process June 2021. Collection method: clinical testing. Allele origin: germline. Affected: yes.
Comment: Has not been previously published as pathogenic or benign to our knowledge; Not observed in large population cohorts (Lek et al., 2016); In silico analysis, which includes protein predictors and evolutionary conservation, supports that this variant does not alter protein structure/function; Missense variants in this gene are commonly considered pathogenic (Stenson et al., 2014)

NM_005633.4(SOS1):c.3314T>C (p.Phe1105Ser)

Gene: SOS1 (SOS Ras/Rac guanine nucleotide exchange factor 1; minus strand). Cytogenetic location: 2p22.1.
Variant type: single nucleotide variant.
Coding change: c.3314T>C on transcript NM_005633.4 (MANE Select); coding-DNA position 3314, T replaced by C.
Protein change: p.Phe1105Ser; replaces phenylalanine 1105 with serine.
Molecular consequence: missense variant.
Genome position (GRCh38, 1-based): chr2:38,995,155, A>G on the plus strand (T>C on the coding strand, the complement: SOS1 is on the minus strand). VCF-style: chr2-38995155-A-G. GRCh37 (hg19) VCF-style: chr2-39222296-A-G.
Other names: c.3293T>C, p.Phe1098Ser (NM_001382394.1); c.3314T>C, p.Phe1105Ser (NM_001382395.1); short protein forms F1098S, F1105S.
Identifiers: ClinVar variation 1310218 (VCV001310218.2), dbSNP rs2124475147, ClinGen allele CA346360352.